The following is an entry in ClinVar:

ClinVar aggregate classification (germline): Uncertain significance (1 of 4 stars; one submission).

Allele frequency attached by ClinVar (database versions not stated): gnomAD exomes below 0.00001.
gnomAD v4.1: 2 of 1,614,126 alleles (0.00012%); highest among the groups gnomAD compares: Non-Finnish European, 0.00017%; no homozygotes.

Submission:

Labcorp Genetics (formerly Invitae), Labcorp
Classification: Uncertain significance. Last evaluated: 2024-09-22. Review status: criteria provided, single submitter. Criteria: Invitae Variant Classification Sherloc (09022015). Collection method: clinical testing. Allele origin: germline.
Comment: This sequence change replaces histidine, which is basic and polar, with aspartic acid, which is acidic and polar, at codon 65 of the TNFAIP3 protein (p.His65Asp). This variant is present in population databases (no rsID available, gnomAD 0.0009%). This variant has not been reported in the literature in individuals affected with TNFAIP3-related conditions. ClinVar contains an entry for this variant (Variation ID: 2198196). Invitae Evidence Modeling of protein sequence and biophysical properties (such as structural, functional, and spatial information, amino acid conservation, physicochemical variation, residue mobility, and thermodynamic stability) indicates that this missense variant is not expected to disrupt TNFAIP3 protein function with a negative predictive value of 80%. In summary, the available evidence is currently insufficient to determine the role of this variant in disease. Therefore, it has been classified as a Variant of Uncertain Significance.

NM_001270508.2(TNFAIP3):c.193C>G (p.His65Asp)

Gene: TNFAIP3 (TNF alpha induced protein 3; plus strand). Cytogenetic location: 6q23.3.
Variant type: single nucleotide variant.
Coding change: c.193C>G on transcript NM_001270508.2 (MANE Select); coding-DNA position 193, C replaced by G.
Protein change: p.His65Asp; replaces histidine 65 with aspartic acid.
Molecular consequence: missense variant.
Genome position (GRCh38, 1-based): chr6:137,871,420, C>G. VCF-style: chr6-137871420-C-G. GRCh37 (hg19) VCF-style: chr6-138192557-C-G.
Other names: c.193C>G, p.His65Asp (NM_001270507.2, NM_006290.4); short protein forms H65D.
Identifiers: ClinVar variation 2198196 (VCV002198196.4), dbSNP rs1344440576, ClinGen allele CA365780599.